The following is an entry in ClinVar:

NM_177438.3(DICER1):c.438+1G>T

Gene: DICER1 (dicer 1, ribonuclease III; minus strand). Cytogenetic location: 14q32.13.
Variant type: single nucleotide variant.
Coding change: c.438+1G>T on transcript NM_177438.3 (MANE Select); the canonical splice donor site of the intron after coding-DNA position 438, G replaced by T.
Molecular consequence: splice donor variant. On other transcripts: intron variant (6).
Genome position (GRCh38, 1-based): chr14:95,131,508, C>A on the plus strand (G>T on the coding strand, the complement: DICER1 is on the minus strand). VCF-style: chr14-95131508-C-A. GRCh37 (hg19) VCF-style: chr14-95597845-C-A.
Other names: c.438+1G>T (NM_001291628.2, NM_030621.4, NM_001395677.1 and 14 more transcripts); c.33+1007G>T (NM_001395690.1, NM_001395687.1, NM_001395689.1 and 3 more transcripts); c.156+1G>T (NM_001395686.1); c.-21+1G>T (NM_001395691.1); c.-1131+1G>T (NM_001395697.1).
Identifiers: ClinVar variation 2760113 (VCV002760113.3), dbSNP rs1595462667, ClinGen allele CA390888746.
Genomic context (GRCh38, chr14:95,131,508, plus strand): 5'-TTACAAACCAAGTCAAGAACTTGTAGGGATTTATAAAGTGAAATTTCTCTACAAGTCTTA[C>A]CTGGTGCTTAGTAAACTCTTGGTTCCATCTCTCTTTTGTCCAAGATGCATTTACTTCTAG-3'

ClinVar aggregate classification (germline): Likely pathogenic (1 of 4 stars; one submission).

Conditions:
DICER1-related tumor predisposition. Also called: DICER1-related pleuropulmonary blastoma cancer predisposition syndrome; DICER1 syndrome. Identifiers: Orphanet 284343, MedGen C3839822, MONDO:0100216.

Submission:

Labcorp Genetics (formerly Invitae), Labcorp
Classification: Likely pathogenic for DICER1-related tumor predisposition. Last evaluated: 2023-09-11. Review status: criteria provided, single submitter. Criteria: Invitae Variant Classification Sherloc (09022015). Collection method: clinical testing. Allele origin: germline.
Comment: In summary, the currently available evidence indicates that the variant is pathogenic, but additional data are needed to prove that conclusively. Therefore, this variant has been classified as Likely Pathogenic. RNA analysis provides insufficient evidence to determine the effect of this variant on DICER1 splicing (Invitae). This variant has not been reported in the literature in individuals affected with DICER1-related conditions. This variant is not present in population databases (gnomAD no frequency). This sequence change affects a donor splice site in intron 4 of the DICER1 gene. It is expected to disrupt RNA splicing. Variants that disrupt the donor or acceptor splice site typically lead to a loss of protein function (PMID: 16199547), and loss-of-function variants in DICER1 are known to be pathogenic (PMID: 19556464, 21266384).

Literature cited by the submitters: PubMed 16199547; PubMed 19556464; PubMed 21266384.